The following is an entry in ClinVar:

ClinVar aggregate classification (germline): Uncertain significance (1 of 4 stars; one submission).

Conditions:
Inborn genetic diseases. Identifiers: MedGen C0950123, MeSH D030342.

Submission:

Ambry Genetics
Classification: Uncertain significance for Inborn genetic diseases. Last evaluated: 2023-02-09. Review status: criteria provided, single submitter. Criteria: Ambry Variant Classification Scheme 2023. Collection method: clinical testing. Allele origin: germline.
Comment: The p.V105D variant (also known as c.314T>A), located in coding exon 3 of the LRRK2 gene, results from a T to A substitution at nucleotide position 314. The valine at codon 105 is replaced by aspartic acid, an amino acid with highly dissimilar properties. This amino acid position is conserved. In addition, this alteration is predicted to be tolerated by in silico analysis. Since supporting evidence is limited at this time, the clinical significance of this alteration remains unclear.

NM_198578.4(LRRK2):c.314T>A (p.Val105Asp)

Gene: LRRK2 (leucine rich repeat kinase 2; plus strand). Cytogenetic location: 12q12.
Variant type: single nucleotide variant.
Coding change: c.314T>A on transcript NM_198578.4 (MANE Select); coding-DNA position 314, T replaced by A.
Protein change: p.Val105Asp; replaces valine 105 with aspartic acid.
Molecular consequence: missense variant.
Genome position (GRCh38, 1-based): chr12:40,232,350, T>A. VCF-style: chr12-40232350-T-A. GRCh37 (hg19) VCF-style: chr12-40626152-T-A.
Other names: short protein forms V105D.
Identifiers: ClinVar variation 2453107 (VCV002453107.2), dbSNP rs1359509421, ClinGen allele CA384401634.